The following is an entry in ClinVar:

ClinVar aggregate classification (germline): Conflicting classifications of pathogenicity. Review status: criteria provided, conflicting classifications (1 of 4 stars). 2 submissions from 2 submitters: Uncertain significance (1); Likely benign (1). Last evaluated 2025-10-04.

Conditions:
Inborn genetic diseases. Identifiers: MedGen C0950123, MeSH D030342.

Allele frequency attached by ClinVar (database versions not stated): ExAC 0.00007; TOPMed 0.00007; gnomAD 0.00008 and 0.00009.
gnomAD v4.1: 106 of 1,613,960 alleles (0.0066%); highest among the groups gnomAD compares: Middle Eastern, 0.016%; no homozygotes.

Submissions (2):

Labcorp Genetics (formerly Invitae), Labcorp
Classification: Uncertain significance. Last evaluated: 2025-10-04. Review status: criteria provided, single submitter. Criteria: Invitae Variant Classification Sherloc (09022015). Collection method: clinical testing. Allele origin: germline.
Comment: This sequence change replaces arginine, which is basic and polar, with glutamine, which is neutral and polar, at codon 1223 of the MAPKBP1 protein (p.Arg1223Gln). This variant is present in population databases (rs199906537, gnomAD 0.01%). This variant has not been reported in the literature in individuals affected with MAPKBP1-related conditions. ClinVar contains an entry for this variant (Variation ID: 1441763). An algorithm developed to predict the effect of missense changes on protein structure and function outputs the following: PolyPhen-2: "Benign". The glutamine amino acid residue is found in multiple mammalian species, which suggests that this missense change does not adversely affect protein function. In summary, the available evidence is currently insufficient to determine the role of this variant in disease. Therefore, it has been classified as a Variant of Uncertain Significance.

Ambry Genetics
Classification: Likely benign for Inborn genetic diseases. Last evaluated: 2021-08-17. Review status: criteria provided, single submitter. Criteria: Ambry Variant Classification Scheme 2023. Collection method: clinical testing. Allele origin: germline.

NM_014994.3(MAPKBP1):c.3650G>A (p.Arg1217Gln)

Gene: MAPKBP1 (mitogen-activated protein kinase binding protein 1; plus strand). Cytogenetic location: 15q15.1.
Variant type: single nucleotide variant.
Coding change: c.3650G>A on transcript NM_014994.3 (MANE Select); coding-DNA position 3650, G replaced by A.
Protein change: p.Arg1217Gln; replaces arginine 1217 with glutamine.
Molecular consequence: missense variant. On other transcripts: non-coding transcript variant (2), intron variant (1).
Genome position (GRCh38, 1-based): chr15:41,823,498, G>A. VCF-style: chr15-41823498-G-A. GRCh37 (hg19) VCF-style: chr15-42115696-G-A.
Other names: c.3668G>A (NM_001128608.1); c.3668G>A, p.Arg1223Gln (NM_001128608.2); c.3382+492G>A (NM_001265611.2); short protein forms R1217Q, R1223Q.
Identifiers: ClinVar variation 1441763 (VCV001441763.9), dbSNP rs199906537, ClinGen allele CA7498637.
Genomic context (GRCh38, chr15:41,823,498, plus strand): 5'-CCTTTGCAGAAAGACATGAGGCCAGTCTGCAGGCCCCTTCACCAGGCGCACTGCTGTCTC[G>A]GGAGATCGAAGCTCAGGATGGTCTGGGCTCCCTGCCCCCAGCTGATGGCCGTCCGTCTCG-3'
Protein context (NP_055809.2, residues 1207-1227): QAPSPGALLS[Arg1217Gln]EIEAQDGLGS